The following is an entry in ClinVar:

ClinVar aggregate classification (germline): Uncertain significance (1 of 4 stars; one submission).

Submission:

Labcorp Genetics (formerly Invitae), Labcorp
Classification: Uncertain significance. Last evaluated: 2023-04-04. Review status: criteria provided, single submitter. Criteria: Invitae Variant Classification Sherloc (09022015). Collection method: clinical testing. Allele origin: unknown.
Comment: In summary, the available evidence is currently insufficient to determine the role of this variant in disease. Therefore, it has been classified as a Variant of Uncertain Significance. Experimental studies and prediction algorithms are not available or were not evaluated, and the functional significance of this variant is currently unknown. This variant has not been reported in the literature in individuals affected with NALCN-related conditions. This variant is a gross deletion of the genomic region encompassing exon(s) 44 of the NALCN gene, which includes the termination codon. This deletion extends beyond the assayed region for this gene and therefore may encompass additional genes. While this deletion is not anticipated to lead to nonsense mediated decay, it is expected to alter mRNA translation or result in a truncated protein product.

NC_000013.10:g.(?_101707647)_(101707860_?)del

Gene: NALCN (sodium leak channel, non-selective; minus strand). Cytogenetic location: 13q33.1.
Variant type: Deletion.
Identifiers: ClinVar variation 3244224 (VCV003244224.1).